The following is an entry in ClinVar:

NM_003921.5(BCL10):c.181A>G (p.Ser61Gly)

Gene: BCL10 (BCL10 immune signaling adaptor; minus strand). Cytogenetic location: 1p22.3.
Variant type: single nucleotide variant.
Coding change: c.181A>G on transcript NM_003921.5 (MANE Select); coding-DNA position 181, A replaced by G.
Protein change: p.Ser61Gly; replaces serine 61 with glycine.
Molecular consequence: missense variant.
Genome position (GRCh38, 1-based): chr1:85,270,783, T>C on the plus strand (A>G on the coding strand, the complement: BCL10 is on the minus strand). VCF-style: chr1-85270783-T-C. GRCh37 (hg19) VCF-style: chr1-85736466-T-C.
Other names: c.181A>G, p.Ser61Gly (LRG_1210t1, NM_001320715.2); short protein forms S61G.
Identifiers: ClinVar variation 576800 (VCV000576800.7), dbSNP rs542952039, ClinGen allele CA929795.
Genomic context (GRCh38, chr1:85,270,783, plus strand): 5'-TGTCCAGACCTTTTGGGTTTTCCTGTAAGTAGTCTAACAATTTTCCAGCCCTTTTTCTAC[T>C]TGATGTTCGACAAGAAATTTCTTCAGTGTCTTCTCTACTGAGTATTTTTTTTGCACGTAG-3'
Protein context (NP_003912.1, residues 51-71): DTEEISCRTS[Ser61Gly]RKRAGKLLDY

ClinVar aggregate classification (germline): Uncertain significance (1 of 4 stars; one submission).

Conditions:
Immunodeficiency 37 (IMD37). Identifiers: MedGen C4015195, MONDO:0014491, OMIM 616098.

Allele frequency attached by ClinVar (database versions not stated): gnomAD exomes 0.00001 and 0.00003; TOPMed 0.00001; ExAC 0.00002; gnomAD 0.00002 and 0.00003; 1000 Genomes Project 0.00020; 1000 Genomes Project 30x 0.00031.
gnomAD v4.1: 19 of 1,614,172 alleles (0.0012%); highest among the groups gnomAD compares: Admixed American, 0.0017%; no homozygotes.

Submission:

Labcorp Genetics (formerly Invitae), Labcorp
Classification: Uncertain significance for Immunodeficiency 37. Last evaluated: 2025-02-19. Review status: criteria provided, single submitter. Criteria: Invitae Variant Classification Sherloc (09022015). Collection method: clinical testing. Allele origin: germline.
Comment: This sequence change replaces serine, which is neutral and polar, with glycine, which is neutral and non-polar, at codon 61 of the BCL10 protein (p.Ser61Gly). This variant is present in population databases (rs542952039, gnomAD 0.009%). This variant has not been reported in the literature in individuals affected with BCL10-related conditions. ClinVar contains an entry for this variant (Variation ID: 576800). An algorithm developed to predict the effect of missense changes on protein structure and function (PolyPhen-2) suggests that this variant is likely to be disruptive. In summary, the available evidence is currently insufficient to determine the role of this variant in disease. Therefore, it has been classified as a Variant of Uncertain Significance.